The following is an entry in ClinVar:

NM_001723.7(DST):c.7557G>A (p.Gln2519=)

Gene: DST (dystonin; minus strand). Cytogenetic location: 6p12.1.
Variant type: single nucleotide variant.
Coding change: c.7557G>A on transcript NM_001723.7 (MANE Plus Clinical); coding-DNA position 7557, G replaced by A.
Protein change: p.Gln2519=; no amino-acid change (glutamine 2519 retained).
Molecular consequence: synonymous variant. On other transcripts: intron variant (10).
Genome position (GRCh38, 1-based): chr6:56,615,910, C>T on the plus strand (G>A on the coding strand, the complement: DST is on the minus strand). VCF-style: chr6-56615910-C-T. GRCh37 (hg19) VCF-style: chr6-56480708-C-T.
Other names: c.4831-1426G>A (NM_001144769.5); c.4930-1426G>A (NM_001374722.1, NM_001374736.1); c.4957-1426G>A (NM_001374734.1); c.4417-1426G>A (NM_001144770.2); c.4297-1426G>A (NM_001374730.1, NM_001386100.1, NM_183380.4 and 1 more transcripts); c.3319-1426G>A (NM_015548.5).
Identifiers: ClinVar variation 357546 (VCV000357546.17), dbSNP rs368876285, ClinGen allele CA3869936.

ClinVar aggregate classification (germline): Likely benign. Review status: criteria provided, multiple submitters, no conflicts (2 of 4 stars). 3 submissions from 3 submitters: Likely benign (3). Last evaluated 2026-04-03.

Conditions:
DST-related disorder. Also called: DST-related disorders; DST-related condition.
Epidermolysis bullosa simplex 3, localized or generalized intermediate, with BP230 deficiency (EBS3). Also called: Epidermolysis bullosa simplex due to BP230 deficiency; Epidermolysis bullosa simplex, autosomal recessive 2. Identifiers: Orphanet 412181, MedGen C3809470, MONDO:0014180, OMIM 615425.
Hereditary sensory and autonomic neuropathy type 6. Also called: HSAN VI; Neuropathy, hereditary sensory and autonomic, type VI. Identifiers: Orphanet 314381, MedGen C3539003, MONDO:0013839, OMIM 614653.

Allele frequency attached by ClinVar (database versions not stated): gnomAD exomes 0.00007 and 0.00020; ExAC 0.00008; gnomAD 0.00013 and 0.00014; TOPMed 0.00015; ESP Exome Variant Server 0.00023.
gnomAD v4.1: 304 of 1,614,112 alleles (0.019%); highest among the groups gnomAD compares: Non-Finnish European, 0.025%; no homozygotes.

Submissions (3):

Women's Health and Genetics/Laboratory Corporation of America, LabCorp
Classification: Likely benign. Last evaluated: 2026-04-03. Review status: criteria provided, single submitter. Criteria: LabCorp Variant Classification Summary - May 2015. Collection method: clinical testing. Allele origin: germline.

Labcorp Genetics (formerly Invitae), Labcorp
Classification: Likely benign for Epidermolysis bullosa simplex 3, localized or generalized intermediate, with BP230 deficiency; Hereditary sensory and autonomic neuropathy type 6. Last evaluated: 2025-09-04. Review status: criteria provided, single submitter. Criteria: Invitae Variant Classification Sherloc (09022015). Collection method: clinical testing. Allele origin: germline.

PreventionGenetics, part of Exact Sciences
Classification: Likely benign for DST-related condition. Last evaluated: 2025-07-15. Review status: criteria provided, single submitter. Criteria: ACMG Guidelines, 2015. Collection method: clinical testing. Allele origin: germline.
Comment: This variant is classified as likely benign based on ACMG/AMP sequence variant interpretation guidelines (Richards et al. 2015 PMID: 25741868, with internal and published modifications).